The following is an entry in ClinVar:

NM_001283009.2(RTEL1):c.3107C>T (p.Thr1036Ile)

Genes: RTEL1 (regulator of telomere elongation helicase 1; plus strand), RTEL1-TNFRSF6B (RTEL1-TNFRSF6B readthrough (NMD candidate); plus strand). Cytogenetic location: 20q13.33.
Variant type: single nucleotide variant.
Coding change: c.3107C>T on transcript NM_001283009.2 (MANE Select); coding-DNA position 3107, C replaced by T.
Protein change: p.Thr1036Ile; replaces threonine 1036 with isoleucine.
Molecular consequence: missense variant. On other transcripts: non-coding transcript variant (1).
Genome position (GRCh38, 1-based): chr20:63,694,486, C>T. VCF-style: chr20-63694486-C-T. GRCh37 (hg19) VCF-style: chr20-62325839-C-T.
Other names: c.2438C>T, p.Thr813Ile (NM_001283010.1); c.3107C>T, p.Thr1036Ile (NM_016434.4); c.3179C>T, p.Thr1060Ile (NM_032957.5); short protein forms T813I, T1036I, T1060I.
Identifiers: ClinVar variation 3791083 (VCV003791083.1).
Genomic context (GRCh38, chr20:63,694,486, plus strand): 5'-TGGACCCCCAAGAGCACCTGAACCAGGGCAGGCCCCACCTGTCGCCCAGGCCACCCCCAA[C>T]AGGTAGCTGACTCCTGAACCGTGTGCAGCCTACGACTTGGTGGGTCCCTCAGTGGCTTCA-3'
Protein context (NP_001269938.1, residues 1026-1046): RPHLSPRPPP[Thr1036Ile]GDPGSQPQWG

ClinVar aggregate classification (germline): Uncertain significance (1 of 4 stars; one submission).

Conditions:
Inborn genetic diseases. Identifiers: MedGen C0950123, MeSH D030342.

Submission:

Ambry Genetics
Classification: Uncertain significance for Inborn genetic diseases. Last evaluated: 2025-01-22. Review status: criteria provided, single submitter. Criteria: Ambry Variant Classification Scheme 2023. Collection method: clinical testing. Allele origin: germline.
Comment: The p.T1036I variant (also known as c.3107C>T), located in coding exon 30 of the RTEL1 gene, results from a C to T substitution at nucleotide position 3107. The threonine at codon 1036 is replaced by isoleucine, an amino acid with similar properties. This amino acid position is conserved. In addition, this alteration is predicted to be tolerated by in silico analysis. Based on the available evidence, the clinical significance of this variant remains unclear.